The following is an entry in ClinVar:

NM_004589.4(SCO1):c.390C>G (p.His130Gln)

Gene: SCO1 (synthesis of cytochrome C oxidase 1; minus strand). Cytogenetic location: 17p13.1.
Variant type: single nucleotide variant.
Coding change: c.390C>G on transcript NM_004589.4 (MANE Select); coding-DNA position 390, C replaced by G.
Protein change: p.His130Gln; replaces histidine 130 with glutamine.
Molecular consequence: missense variant.
Genome position (GRCh38, 1-based): chr17:10,692,936, G>C on the plus strand (C>G on the coding strand, the complement: SCO1 is on the minus strand). VCF-style: chr17-10692936-G-C. GRCh37 (hg19) VCF-style: chr17-10596253-G-C.
Other names: short protein forms H130Q.
Identifiers: ClinVar variation 2647481 (VCV002647481.24), dbSNP rs1205857807, ClinGen allele CA398132000.

ClinVar aggregate classification (germline): Uncertain significance (1 of 4 stars; one submission).

Allele frequency attached by ClinVar (database versions not stated): gnomAD exomes below 0.00001.
gnomAD v4.1: 1 of 1,614,128 alleles (0.000062%); highest among the groups gnomAD compares: Non-Finnish European, 0.000085%; no homozygotes.

Submission:

CeGaT Center for Human Genetics Tuebingen
Classification: Uncertain significance. Last evaluated: 2022-07-01. Review status: criteria provided, single submitter. Criteria: CeGaT Center For Human Genetics Tuebingen Variant Classification Criteria Version 2. Collection method: clinical testing. Allele origin: germline. Affected: yes. Observed: 1 variant allele.
Comment: SCO1: PM2, BP4